The following is an entry in ClinVar:

NM_001081.4(CUBN):c.4832G>A (p.Gly1611Asp)

Gene: CUBN (cubilin; minus strand). Cytogenetic location: 10p13.
Variant type: single nucleotide variant.
Coding change: c.4832G>A on transcript NM_001081.4 (MANE Select); coding-DNA position 4832, G replaced by A.
Protein change: p.Gly1611Asp; replaces glycine 1611 with aspartic acid.
Molecular consequence: missense variant.
Genome position (GRCh38, 1-based): chr10:16,954,412, C>T on the plus strand (G>A on the coding strand, the complement: CUBN is on the minus strand). VCF-style: chr10-16954412-C-T. GRCh37 (hg19) VCF-style: chr10-16996411-C-T.
Other names: short protein forms G1611D.
Identifiers: ClinVar variation 4691981 (VCV004691981.1).

ClinVar aggregate classification (germline): Uncertain significance (1 of 4 stars; one submission).

Conditions:
Imerslund-Grasbeck syndrome. Also called: ENTEROCYTE COBALAMIN MALABSORPTION; ENTEROCYTE INTRINSIC FACTOR RECEPTOR, DEFECT OF; PERNICIOUS ANEMIA, JUVENILE, DUE TO SELECTIVE INTESTINAL MALABSORPTION OF VITAMIN B12, WITH PROTEINURIA; Megaloblastic anemia due to inborn errors of metabolism; Imerslund-Gräsbeck syndrome. Identifiers: Orphanet 35858, MedGen C4551825, MONDO:0009853.

gnomAD v4.1: 1 of 1,614,108 alleles (0.000062%); highest among the groups gnomAD compares: Non-Finnish European, 0.000085%; no homozygotes.

Submission:

Labcorp Genetics (formerly Invitae), Labcorp
Classification: Uncertain significance for Imerslund-Grasbeck syndrome. Last evaluated: 2026-01-12. Review status: criteria provided, single submitter. Criteria: Invitae Variant Classification Sherloc (09022015). Collection method: clinical testing. Allele origin: germline.
Comment: This sequence change replaces glycine, which is neutral and non-polar, with aspartic acid, which is acidic and polar, at codon 1611 of the CUBN protein (p.Gly1611Asp). This variant is not present in population databases (gnomAD no frequency). This variant has not been reported in the literature in individuals affected with CUBN-related conditions. Invitae Evidence Modeling of protein sequence and biophysical properties (such as structural, functional, and spatial information, amino acid conservation, physicochemical variation, residue mobility, and thermodynamic stability) indicates that this missense variant is expected to disrupt CUBN protein function with a positive predictive value of 80%. In summary, the available evidence is currently insufficient to determine the role of this variant in disease. Therefore, it has been classified as a Variant of Uncertain Significance.